The following is an entry in ClinVar:

NM_001377295.2(GNAT2):c.551T>A (p.Ile184Asn)

Gene: GNAT2 (G protein subunit alpha transducin 2; minus strand). Cytogenetic location: 1p13.3.
Variant type: single nucleotide variant.
Coding change: c.551T>A on transcript NM_001377295.2 (MANE Select); coding-DNA position 551, T replaced by A.
Protein change: p.Ile184Asn; replaces isoleucine 184 with asparagine.
Molecular consequence: missense variant.
Genome position (GRCh38, 1-based): chr1:109,606,347, A>T on the plus strand (T>A on the coding strand, the complement: GNAT2 is on the minus strand). VCF-style: chr1-109606347-A-T. GRCh37 (hg19) VCF-style: chr1-110148969-A-T.
Other names: c.551T>A, p.Ile184Asn (NM_001379232.1, NM_005272.5); short protein forms I184N.
Identifiers: ClinVar variation 1413765 (VCV001413765.6), dbSNP rs751633351, ClinGen allele CA992393.

ClinVar aggregate classification (germline): Uncertain significance (1 of 4 stars; one submission).

Allele frequency attached by ClinVar (database versions not stated): gnomAD exomes 0.00001 and 0.00002; TOPMed 0.00001; ExAC 0.00002.
gnomAD v4.1: 4 of 1,613,344 alleles (0.00025%); highest among the groups gnomAD compares: Admixed American, 0.005%; no homozygotes.

Submission:

Labcorp Genetics (formerly Invitae), Labcorp
Classification: Uncertain significance. Last evaluated: 2024-02-17. Review status: criteria provided, single submitter. Criteria: Invitae Variant Classification Sherloc (09022015). Collection method: clinical testing. Allele origin: germline.
Comment: This sequence change replaces isoleucine, which is neutral and non-polar, with asparagine, which is neutral and polar, at codon 184 of the GNAT2 protein (p.Ile184Asn). This variant is present in population databases (rs751633351, gnomAD 0.009%). This variant has not been reported in the literature in individuals affected with GNAT2-related conditions. ClinVar contains an entry for this variant (Variation ID: 1413765). Advanced modeling of protein sequence and biophysical properties (such as structural, functional, and spatial information, amino acid conservation, physicochemical variation, residue mobility, and thermodynamic stability) performed at Invitae indicates that this missense variant is expected to disrupt GNAT2 protein function with a positive predictive value of 80%. In summary, the available evidence is currently insufficient to determine the role of this variant in disease. Therefore, it has been classified as a Variant of Uncertain Significance.